The following is an entry in ClinVar:

NM_004795.4(KL):c.2379A>T (p.Glu793Asp)

Gene: KL (klotho; plus strand). Cytogenetic location: 13q13.1.
Variant type: single nucleotide variant.
Coding change: c.2379A>T on transcript NM_004795.4 (MANE Select); coding-DNA position 2379, A replaced by T.
Protein change: p.Glu793Asp; replaces glutamic acid 793 with aspartic acid.
Molecular consequence: missense variant.
Genome position (GRCh38, 1-based): chr13:33,061,458, A>T. VCF-style: chr13-33061458-A-T. GRCh37 (hg19) VCF-style: chr13-33635595-A-T.
Other names: short protein forms E793D.
Identifiers: ClinVar variation 3019499 (VCV003019499.3), dbSNP rs1382213093, ClinGen allele CA387796828.

ClinVar aggregate classification (germline): Uncertain significance (1 of 4 stars; one submission).

Allele frequency attached by ClinVar (database versions not stated): gnomAD 0.00001; TOPMed 0.00001.
gnomAD v4.1: 3 of 1,614,128 alleles (0.00019%); highest among the groups gnomAD compares: Admixed American, 0.0017%; no homozygotes.

Submission:

Labcorp Genetics (formerly Invitae), Labcorp
Classification: Uncertain significance. Last evaluated: 2023-05-24. Review status: criteria provided, single submitter. Criteria: Invitae Variant Classification Sherloc (09022015). Collection method: clinical testing. Allele origin: germline.
Comment: In summary, the available evidence is currently insufficient to determine the role of this variant in disease. Therefore, it has been classified as a Variant of Uncertain Significance. Advanced modeling of protein sequence and biophysical properties (such as structural, functional, and spatial information, amino acid conservation, physicochemical variation, residue mobility, and thermodynamic stability) performed at Invitae indicates that this missense variant is not expected to disrupt KL protein function. This variant has not been reported in the literature in individuals affected with KL-related conditions. This variant is present in population databases (no rsID available, gnomAD 0.004%). This sequence change replaces glutamic acid, which is acidic and polar, with aspartic acid, which is acidic and polar, at codon 793 of the KL protein (p.Glu793Asp).